The following is an entry in ClinVar:

NM_002907.4(RECQL):c.1549G>A (p.Asp517Asn)

Gene: RECQL (RecQ like helicase; minus strand). Cytogenetic location: 12p12.1.
Variant type: single nucleotide variant.
Coding change: c.1549G>A on transcript NM_002907.4 (MANE Select); coding-DNA position 1549, G replaced by A.
Protein change: p.Asp517Asn; replaces aspartic acid 517 with asparagine.
Molecular consequence: missense variant.
Genome position (GRCh38, 1-based): chr12:21,471,546, C>T on the plus strand (G>A on the coding strand, the complement: RECQL is on the minus strand). VCF-style: chr12-21471546-C-T. GRCh37 (hg19) VCF-style: chr12-21624480-C-T.
Other names: c.1549G>A, p.Asp517Asn (NM_032941.3); short protein forms D517N.
Identifiers: ClinVar variation 1466835 (VCV001466835.8), dbSNP rs2137316688, ClinGen allele CA384116177.
Genomic context (GRCh38, chr12:21,471,546, plus strand): 5'-GTGTGGGAGCCACAACACCTGCTACTCTCAGTTTTGCTGCACCCTTTCCCATCCAAGAAT[C>T]AATCAGTTTCAATGGAGTGAGTTTTTCATTCAGTTCCTCTGCCTGCTTCAGGATCTTGAT-3'
Protein context (NP_002898.2, residues 507-527): NEKLTPLKLI[Asp517Asn]SWMGKGAAKL

ClinVar aggregate classification (germline): Uncertain significance (1 of 4 stars; one submission).

Submission:

Labcorp Genetics (formerly Invitae), Labcorp
Classification: Uncertain significance. Last evaluated: 2021-02-03. Review status: criteria provided, single submitter. Criteria: Invitae Variant Classification Sherloc (09022015). Collection method: clinical testing. Allele origin: germline.
Comment: In summary, the available evidence is currently insufficient to determine the role of this variant in disease. Therefore, it has been classified as a Variant of Uncertain Significance. Algorithms developed to predict the effect of missense changes on protein structure and function are either unavailable or do not agree on the potential impact of this missense change (SIFT: "Deleterious"; PolyPhen-2: "Probably Damaging"; Align-GVGD: "Class C0"). This variant has not been reported in the literature in individuals with RECQL-related conditions. This variant is not present in population databases (ExAC no frequency). This sequence change replaces aspartic acid with asparagine at codon 517 of the RECQL protein (p.Asp517Asn). The aspartic acid residue is highly conserved and there is a small physicochemical difference between aspartic acid and asparagine.